The following is an entry in ClinVar:

NM_000214.3(JAG1):c.1558A>C (p.Asn520His)

Gene: JAG1 (jagged canonical Notch ligand 1; minus strand). Cytogenetic location: 20p12.2.
Variant type: single nucleotide variant.
Coding change: c.1558A>C on transcript NM_000214.3 (MANE Select); coding-DNA position 1558, A replaced by C.
Protein change: p.Asn520His; replaces asparagine 520 with histidine.
Molecular consequence: missense variant.
Genome position (GRCh38, 1-based): chr20:10,648,560, T>G on the plus strand (A>C on the coding strand, the complement: JAG1 is on the minus strand). VCF-style: chr20-10648560-T-G. GRCh37 (hg19) VCF-style: chr20-10629208-T-G.
Other names: short protein forms N520H.
Identifiers: ClinVar variation 3647305 (VCV003647305.2).

ClinVar aggregate classification (germline): Uncertain significance (1 of 4 stars; one submission).

Conditions:
Alagille syndrome due to a JAG1 point mutation. Also called: JAG1-Related Alagille Syndrome; Alagille Syndrome 1; HEPATIC DUCTULAR HYPOPLASIA, SYNDROMATIC. Identifiers: Orphanet 261619, Orphanet 52, MedGen C1956125, MONDO:0016862, OMIM 118450.

Submission:

Labcorp Genetics (formerly Invitae), Labcorp
Classification: Uncertain significance for Alagille syndrome due to a JAG1 point mutation. Last evaluated: 2024-03-28. Review status: criteria provided, single submitter. Criteria: Invitae Variant Classification Sherloc (09022015). Collection method: clinical testing. Allele origin: germline.
Comment: This sequence change replaces asparagine, which is neutral and polar, with histidine, which is basic and polar, at codon 520 of the JAG1 protein (p.Asn520His). This variant is not present in population databases (gnomAD no frequency). This variant has not been reported in the literature in individuals affected with JAG1-related conditions. Advanced modeling of protein sequence and biophysical properties (such as structural, functional, and spatial information, amino acid conservation, physicochemical variation, residue mobility, and thermodynamic stability) performed at Invitae indicates that this missense variant is not expected to disrupt JAG1 protein function with a negative predictive value of 95%. In summary, the available evidence is currently insufficient to determine the role of this variant in disease. Therefore, it has been classified as a Variant of Uncertain Significance.